The following is an entry in ClinVar:

NM_003803.4(MYOM1):c.*10C>T

Gene: MYOM1 (myomesin 1; minus strand). Cytogenetic location: 18p11.31.
Variant type: single nucleotide variant.
Coding change: c.*10C>T on transcript NM_003803.4 (MANE Select); 10 bases downstream of the stop codon, C replaced by T.
Molecular consequence: 3 prime UTR variant.
Genome position (GRCh38, 1-based): chr18:3,067,252, G>A on the plus strand (C>T on the coding strand, the complement: MYOM1 is on the minus strand). VCF-style: chr18-3067252-G-A. GRCh37 (hg19) VCF-style: chr18-3067250-G-A.
Other names: c.*10C>T (NM_019856.2).
Identifiers: ClinVar variation 229014 (VCV000229014.5), dbSNP rs876657915, ClinGen allele CA10577043.
Genomic context (GRCh38, chr18:3,067,252, plus strand): 5'-CGTCTCATCCTTAACCCAAACCATTCACACCCAAGTCACACAGGCCGGCTGGCTCTCCTC[G>A]CACCTCCGGTCACTTGGCCTTCTTGCCACCTTTCAGGGACTCCAAGGCGGCCATCCTCGC-3'

ClinVar aggregate classification (germline): Uncertain significance (1 of 4 stars; one submission).

Allele frequency attached by ClinVar (database versions not stated): gnomAD 0.00001 and 0.00002; gnomAD exomes 0.00002; TOPMed 0.00002.
gnomAD v4.1: 161 of 1,580,440 alleles (0.01%); highest among the groups gnomAD compares: Non-Finnish European, 0.013%; no homozygotes.

Submission:

Laboratory for Molecular Medicine, Mass General Brigham Personalized Medicine
Classification: Uncertain significance. Last evaluated: 2015-11-11. Review status: criteria provided, single submitter. Criteria: LMM Criteria. Collection method: clinical testing. Allele origin: germline. Observed: 1 variant allele.
Comment: The c.*10C>T variant in MYOM1 has not been previously reported in individuals wi th cardiomyopathy and was absent from large population studies. Computational pr ediction tools and conservation analysis are limited or unavailable for this var iant. In summary, the clinical significance of the c.*10C>T variant is uncertain .